The following is an entry in ClinVar:

ClinVar aggregate classification (germline): Uncertain significance (1 of 4 stars; one submission).

gnomAD v4.1: 2 of 1,611,250 alleles (0.00012%); highest among the groups gnomAD compares: Admixed American, 0.0034%; no homozygotes.

Submission:

GeneDx
Classification: Uncertain significance. Last evaluated: 2024-09-11. Review status: criteria provided, single submitter. Criteria: GeneDx Variant Classification Process June 2021. Collection method: clinical testing. Allele origin: germline. Affected: yes.
Comment: Not observed at significant frequency in large population cohorts (gnomAD); In silico analysis indicates that this missense variant does not alter protein structure/function; Has not been previously published as pathogenic or benign to our knowledge

NM_001393769.1(MED12L):c.3971A>G (p.Gln1324Arg)

Genes: MED12L (mediator complex subunit 12L; plus strand), P2RY12 (purinergic receptor P2Y12; minus strand). Cytogenetic location: 3q25.1.
Variant type: single nucleotide variant.
Coding change: c.3971A>G on transcript NM_001393769.1 (MANE Select); coding-DNA position 3971, A replaced by G.
Protein change: p.Gln1324Arg; replaces glutamine 1324 with arginine.
Molecular consequence: missense variant. On other transcripts: intron variant (1).
Genome position (GRCh38, 1-based): chr3:151,376,132, A>G. VCF-style: chr3-151376132-A-G. GRCh37 (hg19) VCF-style: chr3-151093920-A-G.
Other names: c.3866A>G, p.Gln1289Arg (NM_053002.6); c.-180+8560T>C (NM_022788.5); short protein forms Q1289R, Q1324R.
Identifiers: ClinVar variation 3770122 (VCV003770122.1).
Genomic context (GRCh38, chr3:151,376,132, plus strand): 5'-CAGACAAAGAACTTATATTGGACCCTGTGCTTTCAAATATGCAAGCACAGAAATTACTGC[A>G]GCTTATCTGTTATCCTCATGGCATTAAAGAATGTACCGAGGGGGACAATCTGCAAAGACA-3'
Protein context (NP_001380698.1, residues 1314-1334): LSNMQAQKLL[Gln1324Arg]LICYPHGIKE